The following is an entry in ClinVar:

ClinVar aggregate classification (germline): Uncertain significance. Review status: criteria provided, multiple submitters, no conflicts (2 of 4 stars). 2 submissions from 2 submitters: Uncertain significance (2). Last evaluated 2023-07-25.

Conditions:
Inborn genetic diseases. Identifiers: MedGen C0950123, MeSH D030342.

Allele frequency attached by ClinVar (database versions not stated): gnomAD exomes below 0.00001 and 0.00001.
gnomAD v4.1: 1 of 1,207,282 alleles (0.000083%); highest among the groups gnomAD compares: Admixed American, 0.0022%; no homozygotes.

Submissions (2):

Ambry Genetics
Classification: Uncertain significance for Inborn genetic diseases. Last evaluated: 2023-07-25. Review status: criteria provided, single submitter. Criteria: Ambry Variant Classification Scheme 2023. Collection method: clinical testing. Allele origin: germline.

Labcorp Genetics (formerly Invitae), Labcorp
Classification: Uncertain significance. Last evaluated: 2022-08-16. Review status: criteria provided, single submitter. Criteria: Invitae Variant Classification Sherloc (09022015). Collection method: clinical testing. Allele origin: germline.
Comment: This sequence change replaces phenylalanine, which is neutral and non-polar, with valine, which is neutral and non-polar, at codon 596 of the CACNA1F protein (p.Phe596Val). In summary, the available evidence is currently insufficient to determine the role of this variant in disease. Therefore, it has been classified as a Variant of Uncertain Significance. Algorithms developed to predict the effect of missense changes on protein structure and function are either unavailable or do not agree on the potential impact of this missense change (SIFT: "Deleterious"; PolyPhen-2: "Probably Damaging"; Align-GVGD: "Class C0"). ClinVar contains an entry for this variant (Variation ID: 1406556). This variant has not been reported in the literature in individuals affected with CACNA1F-related conditions. The frequency data for this variant in the population databases is considered unreliable, as metrics indicate poor data quality at this position in the gnomAD database.

NM_001256789.3(CACNA1F):c.1753T>G (p.Phe585Val)

Gene: CACNA1F (calcium voltage-gated channel subunit alpha1 F; minus strand). Cytogenetic location: Xp11.23.
Variant type: single nucleotide variant.
Coding change: c.1753T>G on transcript NM_001256789.3 (MANE Select); coding-DNA position 1753, T replaced by G.
Protein change: p.Phe585Val; replaces phenylalanine 585 with valine.
Molecular consequence: missense variant.
Genome position (GRCh38, 1-based): chrX:49,224,885, A>C on the plus strand (T>G on the coding strand, the complement: CACNA1F is on the minus strand). VCF-style: chrX-49224885-A-C. GRCh37 (hg19) VCF-style: chrX-49081347-A-C.
Other names: c.1591T>G, p.Phe531Val (NM_001256790.3); c.1786T>G, p.Phe596Val (NM_005183.4); c.1786T>G (NM_005183.2); short protein forms F531V, F585V, F596V.
Identifiers: ClinVar variation 1406556 (VCV001406556.7), dbSNP rs1557109510, ClinGen allele CA412914940.